The following is an entry in ClinVar:

ClinVar aggregate classification (germline): Uncertain significance (1 of 4 stars; one submission).

Allele frequency attached by ClinVar (database versions not stated): gnomAD exomes below 0.00001 and 0.00001; TOPMed below 0.00001; ExAC 0.00001.

Submission:

Labcorp Genetics (formerly Invitae), Labcorp
Classification: Uncertain significance. Last evaluated: 2021-08-28. Review status: criteria provided, single submitter. Criteria: Invitae Variant Classification Sherloc (09022015). Collection method: clinical testing. Allele origin: germline.
Comment: In summary, the available evidence is currently insufficient to determine the role of this variant in disease. Therefore, it has been classified as a Variant of Uncertain Significance. Algorithms developed to predict the effect of missense changes on protein structure and function (SIFT, PolyPhen-2, Align-GVGD) all suggest that this variant is likely to be tolerated. This variant has not been reported in the literature in individuals affected with PSMB4-related conditions. This variant is present in population databases (rs777893016, ExAC 0.002%). This sequence change replaces tyrosine with cysteine at codon 107 of the PSMB4 protein (p.Tyr107Cys). The tyrosine residue is moderately conserved and there is a large physicochemical difference between tyrosine and cysteine.

NM_002796.3(PSMB4):c.320A>G (p.Tyr107Cys)

Gene: PSMB4 (proteasome 20S subunit beta 4; plus strand). Cytogenetic location: 1q21.3.
Variant type: single nucleotide variant.
Coding change: c.320A>G on transcript NM_002796.3 (MANE Select); coding-DNA position 320, A replaced by G.
Protein change: p.Tyr107Cys; replaces tyrosine 107 with cysteine.
Molecular consequence: missense variant.
Genome position (GRCh38, 1-based): chr1:151,400,160, A>G. VCF-style: chr1-151400160-A-G. GRCh37 (hg19) VCF-style: chr1-151372636-A-G.
Other names: short protein forms Y107C.
Identifiers: ClinVar variation 1449046 (VCV001449046.6), dbSNP rs777893016, ClinGen allele CA1090624.